The following is an entry in ClinVar:

NM_003263.4(TLR1):c.91A>G (p.Arg31Gly)

Gene: TLR1 (toll like receptor 1; minus strand). Cytogenetic location: 4p14.
Variant type: single nucleotide variant.
Coding change: c.91A>G on transcript NM_003263.4 (MANE Select); coding-DNA position 91, A replaced by G.
Protein change: p.Arg31Gly; replaces arginine 31 with glycine.
Molecular consequence: missense variant.
Genome position (GRCh38, 1-based): chr4:38,798,741, T>C on the plus strand (A>G on the coding strand, the complement: TLR1 is on the minus strand). VCF-style: chr4-38798741-T-C. GRCh37 (hg19) VCF-style: chr4-38800362-T-C.
Other names: short protein forms R31G.
Identifiers: ClinVar variation 3046166 (VCV003046166.2), dbSNP rs140255888, ClinGen allele CA2889613.

ClinVar aggregate classification (germline): Likely benign (0 of 4 stars; one submission).

Conditions:
TLR1-related disorder. Also called: TLR1-related condition.

Allele frequency attached by ClinVar (database versions not stated): ESP Exome Variant Server 0.00008; TOPMed 0.00017; gnomAD 0.00022; gnomAD exomes 0.00042; ExAC 0.00049; 1000 Genomes Project 30x 0.00078; 1000 Genomes Project 0.00100.
gnomAD v4.1: 642 of 1,612,974 alleles (0.04%); highest among the groups gnomAD compares: East Asian, 1%; 7 homozygotes.

Submission:

PreventionGenetics, part of Exact Sciences
Classification: Likely benign for TLR1-related condition. Last evaluated: 2022-03-09. Review status: no assertion criteria provided. Collection method: clinical testing. Allele origin: germline.
Comment: This variant is classified as likely benign based on ACMG/AMP sequence variant interpretation guidelines (Richards et al. 2015 PMID: 25741868, with internal and published modifications).